The following is an entry in ClinVar:

ClinVar aggregate classification (germline): Likely benign (1 of 4 stars; one submission).

Submission:

GeneDx
Classification: Likely benign. Last evaluated: 2018-01-26. Review status: criteria provided, single submitter. Criteria: GeneDx Variant Classification (06012015). Collection method: clinical testing. Allele origin: germline. Affected: yes.
Comment: This variant is considered likely benign or benign based on one or more of the following criteria: it is a conservative change, it occurs at a poorly conserved position in the protein, it is predicted to be benign by multiple in silico algorithms, and/or has population frequency not consistent with disease.

NM_002241.5(KCNJ10):c.-36G>T

Gene: KCNJ10 (potassium inwardly rectifying channel subfamily J member 10; minus strand). Cytogenetic location: 1q23.2.
Variant type: single nucleotide variant.
Coding change: c.-36G>T on transcript NM_002241.5 (MANE Select); 36 bases upstream of the start codon, G replaced by T.
Molecular consequence: 5 prime UTR variant.
Genome position (GRCh38, 1-based): chr1:160,070,057, C>A on the plus strand (G>T on the coding strand, the complement: KCNJ10 is on the minus strand). VCF-style: chr1-160070057-C-A. GRCh37 (hg19) VCF-style: chr1-160039847-C-A.
Identifiers: ClinVar variation 515031 (VCV000515031.1), dbSNP rs1194219402, ClinGen allele CA658795545.